The following is an entry in ClinVar:

ClinVar aggregate classification (germline): Uncertain significance. Review status: criteria provided, multiple submitters, no conflicts (2 of 4 stars). 3 submissions from 3 submitters: Uncertain significance (3). Last evaluated 2024-10-19.

Conditions:
Cardiovascular phenotype. Identifiers: MedGen CN230736.
Arrhythmogenic right ventricular dysplasia 8 (ARVD8). Also called: ARRHYTHMOGENIC RIGHT VENTRICULAR DYSPLASIA, FAMILIAL, 8; ARRHYTHMOGENIC RIGHT VENTRICULAR CARDIOMYOPATHY 8; Arrhythmogenic Right Ventricular Dysplasia/Cardiomyopathy 8. Identifiers: MedGen C1843896, MONDO:0011831, OMIM 607450.
Arrhythmogenic cardiomyopathy with wooly hair and keratoderma. Also called: PALMOPLANTAR KERATODERMA WITH LEFT VENTRICULAR CARDIOMYOPATHY AND WOOLLY HAIR; Carvajal syndrome; Dilated cardiomyopathy with woolly hair and keratoderma; Arrhythmogenic cardiomyopathy with woolly hair and keratoderma. Identifiers: Orphanet 65282, MedGen C1854063, MONDO:0011581, OMIM 605676.

Allele frequency attached by ClinVar (database versions not stated): 1000 Genomes Project 30x 0.00016; 1000 Genomes Project 0.00020.

Submissions (3):

Labcorp Genetics (formerly Invitae), Labcorp
Classification: Uncertain significance for Arrhythmogenic cardiomyopathy with wooly hair and keratoderma; Arrhythmogenic right ventricular dysplasia 8. Last evaluated: 2024-10-19. Review status: criteria provided, single submitter. Criteria: Invitae Variant Classification Sherloc (09022015). Collection method: clinical testing. Allele origin: germline.
Comment: This sequence change replaces valine, which is neutral and non-polar, with aspartic acid, which is acidic and polar, at codon 501 of the DSP protein (p.Val501Asp). This variant is not present in population databases (gnomAD no frequency). This variant has not been reported in the literature in individuals affected with DSP-related conditions. An algorithm developed to predict the effect of missense changes on protein structure and function (PolyPhen-2) suggests that this variant is likely to be disruptive. In summary, the available evidence is currently insufficient to determine the role of this variant in disease. Therefore, it has been classified as a Variant of Uncertain Significance.

Ambry Genetics
Classification: Uncertain significance for Cardiovascular phenotype. Last evaluated: 2024-10-01. Review status: criteria provided, single submitter. Criteria: Ambry Variant Classification Scheme 2023. Collection method: clinical testing. Allele origin: germline.

All of Us Research Program, National Institutes of Health
Classification: Uncertain significance for Arrhythmogenic cardiomyopathy with wooly hair and keratoderma. Last evaluated: 2024-01-03. Review status: criteria provided, single submitter. Criteria: ACMG Guidelines, 2015. Collection method: clinical testing. Allele origin: germline. Inheritance: Autosomal dominant inheritance. Observed: 1 variant allele, 1 heterozygote.
Comment: This missense variant replaces valine with aspartic acid at codon 501 of the DSP protein. Computational prediction suggests that this variant may not impact protein structure and function (internally defined REVEL score threshold <= 0.5, PMID: 27666373). To our knowledge, functional studies have not been reported for this variant. This variant has not been reported in individuals affected with DSP-related disorders in the literature. This variant has not been identified in the general population by the Genome Aggregation Database (gnomAD). The available evidence is insufficient to determine the role of this variant in disease conclusively. Therefore, this variant is classified as a Variant of Uncertain Significance.

This study involves interpretation of variants in research participants for the purpose of population health screening. Participant phenotype was not available at the time of variant classification. Additional details can be found in publication PMID: 35346344, PMCID: PMC8962531

NM_004415.4(DSP):c.1502T>A (p.Val501Asp)

Gene: DSP (desmoplakin; plus strand). Cytogenetic location: 6p24.3.
Variant type: single nucleotide variant.
Coding change: c.1502T>A on transcript NM_004415.4 (MANE Select); coding-DNA position 1502, T replaced by A.
Protein change: p.Val501Asp; replaces valine 501 with aspartic acid.
Molecular consequence: missense variant.
Genome position (GRCh38, 1-based): chr6:7,569,268, T>A. VCF-style: chr6-7569268-T-A. GRCh37 (hg19) VCF-style: chr6-7569501-T-A.
Other names: c.1502T>A, p.Val501Asp (NM_001008844.3, NM_001319034.2); short protein forms V501D.
Identifiers: ClinVar variation 3075278 (VCV003075278.4), dbSNP rs544017143, ClinGen allele CA133956392.